The following is an entry in ClinVar:

ClinVar aggregate classification (germline): Uncertain significance (1 of 4 stars; one submission).

Conditions:
TRPC6-related disorder. Also called: TRPC6-related condition.

gnomAD v4.1: 1 of 1,614,136 alleles (0.000062%); no homozygotes.

Submission:

PreventionGenetics, part of Exact Sciences
Classification: Uncertain significance for TRPC6-related condition. Last evaluated: 2026-01-26. Review status: criteria provided, single submitter. Criteria: ACMG Guidelines, 2015. Collection method: clinical testing. Allele origin: germline.
Comment: The TRPC6 c.764G>A variant is predicted to result in the amino acid substitution p.Cys255Tyr. To our knowledge, this variant has not been reported in the literature or in a large population database (gnomAD), indicating this variant is rare. At this time, the clinical significance of this variant is uncertain due to the absence of conclusive functional and genetic evidence.

NM_004621.6(TRPC6):c.764G>A (p.Cys255Tyr)

Gene: TRPC6 (transient receptor potential cation channel subfamily C member 6; minus strand). Cytogenetic location: 11q22.1.
Variant type: single nucleotide variant.
Coding change: c.764G>A on transcript NM_004621.6 (MANE Select); coding-DNA position 764, G replaced by A.
Protein change: p.Cys255Tyr; replaces cysteine 255 with tyrosine.
Molecular consequence: missense variant.
Genome position (GRCh38, 1-based): chr11:101,504,205, C>T on the plus strand (G>A on the coding strand, the complement: TRPC6 is on the minus strand). VCF-style: chr11-101504205-C-T. GRCh37 (hg19) VCF-style: chr11-101374936-C-T.
Other names: c.764G>A, p.Cys255Tyr (NM_001439335.1); short protein forms C255Y.
Identifiers: ClinVar variation 4979940 (VCV004979940.1).
Genomic context (GRCh38, chr11:101,504,205, plus strand): 5'-TTAATCCTAGATCTGGAGTGGCTAAACGAGTCATGCTTCTGTTTCTGGTTGCAGTCATTG[C>T]ACTTGCAGAAATAATCATGAGGCCGTTCAATCCTAGCACCCTTCCGCAGGAGGGTATGCA-3'
Protein context (NP_004612.2, residues 245-265): IERPHDYFCK[Cys255Tyr]NDCNQKQKHD